The following is an entry in ClinVar:

ClinVar aggregate classification (germline): Likely benign (0 of 4 stars; one submission).

Conditions:
VILL-related disorder. Also called: VILL-related condition.

Allele frequency attached by ClinVar (database versions not stated): gnomAD exomes 0.00025; ExAC 0.00068; ESP Exome Variant Server 0.00176; 1000 Genomes Project 0.00200; 1000 Genomes Project 30x 0.00234; gnomAD 0.00245; TOPMed 0.00312.

Submission:

PreventionGenetics, part of Exact Sciences
Classification: Likely benign for VILL-related condition. Last evaluated: 2022-03-17. Review status: no assertion criteria provided. Collection method: clinical testing. Allele origin: germline.
Comment: This variant is classified as likely benign based on ACMG/AMP sequence variant interpretation guidelines (Richards et al. 2015 PMID: 25741868, with internal and published modifications).

NM_015873.4(VILL):c.2125_2126dup (p.Trp710fs)

Gene: VILL (villin like; plus strand). Cytogenetic location: 3p22.2.
Variant type: Duplication.
Coding change: c.2125_2126dup on transcript NM_015873.4 (MANE Select); coding-DNA positions 2125 to 2126, 2 bases duplicated (AA; older notation c.2125_2126dupAA).
Protein change: p.Trp710fs; shifts the reading frame from tryptophan 710.
Molecular consequence: frameshift variant. On other transcripts: non-coding transcript variant (2).
Genome position (GRCh38, 1-based): chr3:38,005,966-38,005,967, AA duplicated. VCF-style (leftmost placement, unchanged base first): chr3-38005965-C-CAA. GRCh37 (hg19) VCF-style: chr3-38047456-C-CAA.
Other names: c.1615_1616dup, p.Trp540fs (NM_001370264.1); c.1516_1517dup, p.Trp507fs (NM_001370265.1); c.2125_2126dup, p.Trp710fs (NM_001385038.1, NM_001385039.1); short protein forms W507fs, W540fs, W710fs.
Identifiers: ClinVar variation 3055909 (VCV003055909.2), dbSNP rs563068969, ClinGen allele CA2312532.